The following is an entry in ClinVar:

ClinVar aggregate classification (germline): Pathogenic (1 of 4 stars; one submission).

Submission:

GeneDx
Classification: Pathogenic. Last evaluated: 2017-03-03. Review status: criteria provided, single submitter. Criteria: GeneDx Variant Classification (06012015). Collection method: clinical testing. Allele origin: germline. Affected: yes.
Comment: The c.1593dupT pathogenic variant in the PHEX gene causes a frameshift starting with codon Threonine 532, changes this amino acid to a Tyrosine residue and creates a premature Stop codon at position 50 of the new reading frame, denoted p.Thr532TyrfsX50. This pathogenic variant is predicted to cause loss of normal protein function either through protein truncation or nonsense-mediated mRNA decay. The variant is not observed in large population cohorts (Lek et al., 2016; 1000 Genomes Consortium et al., 2015; Exome Variant Server). Although this pathogenic variant has not been previously reported to our knowledge, we consider it to be pathogenic.

NM_000444.6(PHEX):c.1593dup (p.Thr532fs)

Gene: PHEX (phosphate regulating endopeptidase homolog X-linked; plus strand). Cytogenetic location: Xp22.11.
Variant type: Duplication.
Coding change: c.1593dup on transcript NM_000444.6 (MANE Select); coding-DNA position 1593, one base duplicated (T; older notation c.1593dupT).
Protein change: p.Thr532fs; shifts the reading frame from threonine 532.
Molecular consequence: frameshift variant.
Genome position (GRCh38, 1-based): chrX:22,190,450, T duplicated; the last of 3 consecutive T bases (chrX:22,190,448-22,190,450); duplicating any one gives the same sequence. VCF-style (leftmost placement, unchanged base first): chrX-22190447-G-GT. GRCh37 (hg19) VCF-style: chrX-22208564-G-GT.
Other names: c.1593dup, p.Thr532fs (NM_001282754.2); short protein forms T532fs.
Identifiers: ClinVar variation 420634 (VCV000420634.2), dbSNP rs1556091873, ClinGen allele CA16621327.